The following is an entry in ClinVar:

ClinVar aggregate classification (germline): Uncertain significance (1 of 4 stars; one submission).

Conditions:
Congenital sideroblastic anemia-B-cell immunodeficiency-periodic fever-developmental delay syndrome. Also called: Sideroblastic anemia with B-cell immunodeficiency, periodic fevers, and developmental delay. Identifiers: Orphanet 369861, MedGen C4015172, MONDO:0014487, OMIM 616084.

Submission:

Labcorp Genetics (formerly Invitae), Labcorp
Classification: Uncertain significance for Sideroblastic anemia with B-cell immunodeficiency, periodic fevers, and developmental delay. Last evaluated: 2019-10-12. Review status: criteria provided, single submitter. Criteria: Invitae Variant Classification Sherloc (09022015). Collection method: clinical testing. Allele origin: germline.
Comment: This variant results in a copy number gain of the genomic region encompassing the full coding sequence of the TRNT1 gene. The boundaries of this event are unknown as they extend beyond the assayed region for this gene and therefore may encompass additional genes. As the precise location of this event is unknown, it may be in tandem or it may be located elsewhere in the genome. This variant has not been reported in the literature in individuals with TRNT1-related conditions. In summary, the available evidence is currently insufficient to determine the role of this variant in disease. Therefore, it has been classified as a Variant of Uncertain Significance.

NC_000003.12:g.(?_3129021)_(3148174_?)dup

Gene: TRNT1 (tRNA nucleotidyl transferase 1; plus strand). Cytogenetic location: 3p26.2.
Variant type: Duplication.
Identifiers: ClinVar variation 832834 (VCV000832834.1).